The following is an entry in ClinVar:

NM_005677.4(COLQ):c.934A>G (p.Ser312Gly)

Gene: COLQ (collagen like tail subunit of asymmetric acetylcholinesterase; minus strand). Cytogenetic location: 3p25.1.
Variant type: single nucleotide variant.
Coding change: c.934A>G on transcript NM_005677.4 (MANE Select); coding-DNA position 934, A replaced by G.
Protein change: p.Ser312Gly; replaces serine 312 with glycine.
Molecular consequence: missense variant.
Genome position (GRCh38, 1-based): chr3:15,458,206, T>C on the plus strand (A>G on the coding strand, the complement: COLQ is on the minus strand). VCF-style: chr3-15458206-T-C. GRCh37 (hg19) VCF-style: chr3-15499713-T-C.
Other names: c.904A>G, p.Ser302Gly (NM_080538.2); c.832A>G, p.Ser278Gly (NM_080539.4); short protein forms S312G, S278G, S302G.
Identifiers: ClinVar variation 128827 (VCV000128827.24), dbSNP rs6782980, ClinGen allele CA152478.

ClinVar aggregate classification (germline): Benign. Review status: criteria provided, multiple submitters, no conflicts (2 of 4 stars). 9 submissions from 9 submitters: Benign (7). 2 of the submissions do not count toward it. Last evaluated 2026-02-03.

Conditions:
Congenital myasthenic syndrome 5. Identifiers: Orphanet 590, MedGen C1864233, MONDO:0011281, OMIM 603034.

Allele frequency attached by ClinVar (database versions not stated): gnomAD 0.04985 and 0.05224; 1000 Genomes Project 0.05252; TOPMed 0.05486; 1000 Genomes Project 30x 0.05606; ESP Exome Variant Server 0.05705.
gnomAD v4.1: 30,899 of 1,613,888 alleles (1.9%); highest among the groups gnomAD compares: African/African-American, 15%; 1,008 homozygotes.

Submissions (9):

Labcorp Genetics (formerly Invitae), Labcorp
Classification: Benign for Congenital myasthenic syndrome 5. Last evaluated: 2026-02-03. Review status: criteria provided, single submitter. Criteria: Invitae Variant Classification Sherloc (09022015). Collection method: clinical testing. Allele origin: germline.

Mayo Clinic Laboratories, Mayo Clinic
Classification: Benign. Last evaluated: 2022-12-23. Review status: criteria provided, single submitter. Criteria: ACMG Guidelines, 2015. Collection method: clinical testing. Allele origin: germline. Observed: 17 variant alleles.
Comment: BA1

Illumina Laboratory Services, Illumina
Classification: Benign for Congenital myasthenic syndrome 5. Last evaluated: 2018-01-13. Review status: criteria provided, single submitter. Criteria: ICSL Variant Classification Criteria 13 December 2019. Collection method: clinical testing. Allele origin: germline.
Comment: This variant was observed in the ICSL laboratory as part of a predisposition screen in an ostensibly healthy population. It had not been previously curated by ICSL or reported in the Human Gene Mutation Database (HGMD: prior to June 1st, 2018), and was therefore a candidate for classification through an automated scoring system. Utilizing variant allele frequency, disease prevalence and penetrance estimates, and inheritance mode, an automated score was calculated to assess if this variant is too frequent to cause the disease. Based on the score and internal cut-off values, a variant classified as benign is not then subjected to further curation. The score for this variant resulted in a classification of benign for this disease.

GeneDx
Classification: Benign. Last evaluated: 2016-11-04. Review status: criteria provided, single submitter. Criteria: GeneDx Variant Classification (06012015). Collection method: clinical testing. Allele origin: germline. Affected: yes.
Comment: This variant is considered likely benign or benign based on one or more of the following criteria: it is a conservative change, it occurs at a poorly conserved position in the protein, it is predicted to be benign by multiple in silico algorithms, and/or has population frequency not consistent with disease.

PreventionGenetics, part of Exact Sciences
Classification: Benign. Last evaluated: 2016-02-01. Review status: criteria provided, single submitter. Criteria: ACMG Guidelines, 2015. Collection method: clinical testing. Allele origin: germline.

Genetic Services Laboratory, University of Chicago
Classification: Benign for AllHighlyPenetrant. Last evaluated: 2013-08-15. Review status: criteria provided, single submitter. Criteria: ACMG Guidelines, 2007. Collection method: clinical testing. Allele origin: germline. Inheritance: Autosomal recessive inheritance.

Breakthrough Genomics
Classification: Benign. Review status: criteria provided, single submitter. Criteria: ACMG Guidelines, 2015. Collection method: not provided. Allele origin: germline. Inheritance: Autosomal recessive inheritance. Affected: yes.

Joint Genome Diagnostic Labs from Nijmegen and Maastricht, Radboudumc and MUMC+
Classification: Benign. Review status: no assertion criteria provided. Collection method: clinical testing. Allele origin: germline. Affected: yes. Study: VKGL Data-share Consensus. Not counted in ClinVar's aggregate classification.

Laboratory of Diagnostic Genome Analysis, Leiden University Medical Center (LUMC)
Classification: Likely benign. Review status: no assertion criteria provided. Collection method: clinical testing. Allele origin: germline. Affected: yes. Study: VKGL Data-share Consensus. Not counted in ClinVar's aggregate classification.